The following is an entry in ClinVar:

ClinVar aggregate classification (germline): Uncertain significance (1 of 4 stars; one submission).

Conditions:
Polycystic kidney disease 4 (PKD4). Also called: POLYCYSTIC KIDNEY AND HEPATIC DISEASE 1; POLYCYSTIC KIDNEY DISEASE, INFANTILE, TYPE I; Autosomal Recessive Polycystic Kidney Disease – PKHD1; POLYCYSTIC KIDNEY DISEASE 4 WITH OR WITHOUT POLYCYSTIC LIVER DISEASE; PKD3. Identifiers: MedGen C4540575, MONDO:0033004, OMIM 263200.

Submission:

MVZ Medizinische Genetik Mainz
Classification: Uncertain significance for Polycystic kidney disease 4. Last evaluated: 2024-07-23. Review status: criteria provided, single submitter. Criteria: UK Practice Guidelines For Variant Classification V4 01 2020. Collection method: clinical testing. Allele origin: germline. Inheritance: Autosomal recessive inheritance. Affected: yes. Observed: 1 variant allele.
Comment: ACMG Criteria: PM2_SUP,PM3_SUP,PP4

NM_138694.4(PKHD1):c.4427G>A (p.Cys1476Tyr)

Gene: PKHD1 (PKHD1 ciliary IPT domain containing fibrocystin/polyductin; minus strand). Cytogenetic location: 6p12.2.
Variant type: single nucleotide variant.
Coding change: c.4427G>A on transcript NM_138694.4 (MANE Select); coding-DNA position 4427, G replaced by A.
Protein change: p.Cys1476Tyr; replaces cysteine 1476 with tyrosine.
Molecular consequence: missense variant.
Genome position (GRCh38, 1-based): chr6:52,025,383, C>T on the plus strand (G>A on the coding strand, the complement: PKHD1 is on the minus strand). VCF-style: chr6-52025383-C-T. GRCh37 (hg19) VCF-style: chr6-51890181-C-T.
Other names: c.4427G>A, p.Cys1476Tyr (NM_170724.3); short protein forms C1476Y.
Identifiers: ClinVar variation 3338384 (VCV003338384.1).